The following is an entry in ClinVar:

ClinVar aggregate classification (germline): Uncertain significance (1 of 4 stars; one submission).

Conditions:
Idiopathic Pulmonary Fibrosis. Also called: Idiopathic fibrosing alveolitis, chronic form; idiopathic fibrosing alveolitis. Identifiers: Orphanet 2032, MedGen C1800706, MeSH D054990, MONDO:0800504.
Dyskeratosis congenita, autosomal dominant 2. Identifiers: MedGen C3151443, MONDO:0013521, OMIM 613989.

Allele frequency attached by ClinVar (database versions not stated): gnomAD exomes 0.00001.
gnomAD v4.1: 5 of 1,459,288 alleles (0.00034%); highest among the groups gnomAD compares: Non-Finnish European, 0.00045%; no homozygotes.

Submission:

Labcorp Genetics (formerly Invitae), Labcorp
Classification: Uncertain significance for Dyskeratosis congenita, autosomal dominant 2; Idiopathic Pulmonary Fibrosis. Last evaluated: 2023-04-24. Review status: criteria provided, single submitter. Criteria: Invitae Variant Classification Sherloc (09022015). Collection method: clinical testing. Allele origin: germline.
Comment: In summary, the available evidence is currently insufficient to determine the role of this variant in disease. Therefore, it has been classified as a Variant of Uncertain Significance. Advanced modeling of protein sequence and biophysical properties (such as structural, functional, and spatial information, amino acid conservation, physicochemical variation, residue mobility, and thermodynamic stability) performed at Invitae indicates that this missense variant is expected to disrupt TERT protein function. ClinVar contains an entry for this variant (Variation ID: 1431056). This variant has not been reported in the literature in individuals affected with TERT-related conditions. This variant is not present in population databases (gnomAD no frequency). This sequence change replaces arginine, which is basic and polar, with cysteine, which is neutral and slightly polar, at codon 48 of the TERT protein (p.Arg48Cys).

NM_198253.3(TERT):c.142C>T (p.Arg48Cys)

Genes: TERT (telomerase reverse transcriptase; minus strand), LOC110806263 (TERT 5' regulatory region; plus strand). Cytogenetic location: 5p15.33.
Variant type: single nucleotide variant.
Coding change: c.142C>T on transcript NM_198253.3 (MANE Select); coding-DNA position 142, C replaced by T.
Protein change: p.Arg48Cys; replaces arginine 48 with cysteine.
Molecular consequence: missense variant. On other transcripts: non-coding transcript variant (2).
Genome position (GRCh38, 1-based): chr5:1,294,848, G>A on the plus strand (C>T on the coding strand, the complement: TERT is on the minus strand). VCF-style: chr5-1294848-G-A. GRCh37 (hg19) VCF-style: chr5-1294963-G-A.
Other names: c.142C>T, p.Arg48Cys (NM_001193376.3); short protein forms R48C.
Identifiers: ClinVar variation 1431056 (VCV001431056.8), dbSNP rs1554043151, ClinGen allele CA359059080.